The following is an entry in ClinVar:

NM_001267550.2(TTN):c.100942_100944delinsT (p.Arg33648fs)

Genes: TTN (titin; minus strand), TTN-AS1 (TTN antisense RNA 1; plus strand). Cytogenetic location: 2q31.2.
Variant type: Indel.
Coding change: c.100942_100944delinsT on transcript NM_001267550.2 (MANE Select); coding-DNA positions 100942 to 100944, AGA replaced by T.
Protein change: p.Arg33648fs; shifts the reading frame from arginine 33648.
Molecular consequence: frameshift variant.
Genome position (GRCh38, 1-based): chr2:178,535,671-178,535,673, TCT replaced by A on the plus strand (AGA replaced by T on the coding strand, the reverse complement: TTN is on the minus strand). VCF-style: chr2-178535671-TCT-A. GRCh37 (hg19) VCF-style: chr2-179400398-TCT-A.
Other names: c.96019_96021delinsT, p.Arg32007fs (NM_001256850.1); c.73747_73749delinsT, p.Arg24583fs (NM_003319.4); c.93238_93240delinsT, p.Arg31080fs (NM_133378.4); c.74122_74124delinsT, p.Arg24708fs (NM_133432.3); c.74323_74325delinsT, p.Arg24775fs (NM_133437.4); short protein forms R24583fs, R24775fs, R24708fs, R31080fs, R32007fs, R33648fs.
Identifiers: ClinVar variation 567472 (VCV000567472.2), dbSNP rs1559050685, ClinGen allele CA891842580.

ClinVar aggregate classification (germline): Likely pathogenic. Review status: criteria provided, multiple submitters, no conflicts (2 of 4 stars). 2 submissions from 2 submitters: Likely pathogenic (2). Last evaluated 2025-06-26.

Conditions:
Dilated cardiomyopathy 1G (CMD1G). Identifiers: Orphanet 154, MedGen C1858763, MONDO:0011400, OMIM 604145.
Autosomal recessive limb-girdle muscular dystrophy type 2J (LGMDR10). Also called: Limb-girdle muscular dystrophy, type 2J; MUSCULAR DYSTROPHY, LIMB-GIRDLE, AUTOSOMAL RECESSIVE 10. Identifiers: Orphanet 140922, MedGen C1837342, MONDO:0012127, OMIM 608807.

Submissions (2):

Variantyx, Inc.
Classification: Likely pathogenic for Dilated cardiomyopathy 1G. Last evaluated: 2025-06-26. Review status: criteria provided, single submitter. Criteria: Variantyx Assertion Criteria 2022. Collection method: clinical testing. Allele origin: germline. Inheritance: Autosomal dominant inheritance. Affected: yes.
Comment: This is a frameshift variant in the TTN gene (OMIM: 188840). Pathogenic variants in this gene have been associated with autosomal dominant dilated cardiomyopathy 1G. This variant introduces a premature termination codon in the M-band region of titin (exon 358 out of 363)and is expected to result in loss of function, which is a known disease mechanism for TTN in this disorder (PMID: 38938651) (PVS1). This variant has a 0.0001% maximum allele frequency in non-founder control populations (PM2). Based on the current evidence, this variant is classified as likely pathogenic for autosomal dominant dilated cardiomyopathy 1G.This variant was reported by previous genetic testing.

Labcorp Genetics (formerly Invitae), Labcorp
Classification: Likely pathogenic for Dilated cardiomyopathy 1G; Limb-girdle muscular dystrophy, type 2J. Last evaluated: 2018-01-30. Review status: criteria provided, single submitter. Criteria: Invitae Variant Classification Sherloc (09022015). Collection method: clinical testing. Allele origin: germline.
Comment: This sequence change results in a premature translational stop signal in the TTN gene (p.Arg33648Phefs*24). While this is not anticipated to result in nonsense mediated decay, it is expected to disrupt the last 2,294 amino acids of the TTN protein. This variant is not present in population databases (ExAC no frequency). This variant has not been reported in the literature in individuals with TTN-related disease. This variant is found in the M-band of this gene. While this particular variant has not been reported in the literature, truncating variants in the M-band of TTN previously reported in patients affected with various forms of autosomal recessive myopathy and muscular dystrophy (PMID: 18948003, 23975875, 24395473). For these reasons, this variant has been classified as Likely Pathogenic..

Literature cited by the submitters: PubMed 38938651 (cited by Variantyx, Inc.); PubMed 23975875 (cited by Labcorp Genetics (formerly Invitae), Labcorp); PubMed 24395473 (cited by Labcorp Genetics (formerly Invitae), Labcorp); PubMed 18948003 (cited by Labcorp Genetics (formerly Invitae), Labcorp).